The following is an entry in ClinVar:

NM_198253.3(TERT):c.2974A>C (p.Asn992His)

Gene: TERT (telomerase reverse transcriptase; minus strand). Cytogenetic location: 5p15.33.
Variant type: single nucleotide variant.
Coding change: c.2974A>C on transcript NM_198253.3 (MANE Select); coding-DNA position 2974, A replaced by C.
Protein change: p.Asn992His; replaces asparagine 992 with histidine.
Molecular consequence: missense variant. On other transcripts: non-coding transcript variant (2).
Genome position (GRCh38, 1-based): chr5:1,258,656, T>G on the plus strand (A>C on the coding strand, the complement: TERT is on the minus strand). VCF-style: chr5-1258656-T-G. GRCh37 (hg19) VCF-style: chr5-1258771-T-G.
Other names: c.2785A>C, p.Asn929His (NM_001193376.3); short protein forms N992H, N929H.
Identifiers: ClinVar variation 3455174 (VCV003455174.1).

ClinVar aggregate classification (germline): Uncertain significance (1 of 4 stars; one submission).

Conditions:
Dyskeratosis congenita. Identifiers: Orphanet 1775, MedGen C0265965, MONDO:0015780.

Submission:

Ambry Genetics
Classification: Uncertain significance for Dyskeratosis congenita. Last evaluated: 2024-08-13. Review status: criteria provided, single submitter. Criteria: Ambry Variant Classification Scheme 2023. Collection method: clinical testing. Allele origin: germline.
Comment: The p.N992H variant (also known as c.2974A>C), located in coding exon 13 of the TERT gene, results from an A to C substitution at nucleotide position 2974. The asparagine at codon 992 is replaced by histidine, an amino acid with similar properties. This amino acid position is conserved. In addition, the in silico prediction for this alteration is inconclusive. Based on the available evidence, the clinical significance of this variant remains unclear.